The following is an entry in ClinVar:

NM_032776.3(JMJD1C):c.3779C>G (p.Ser1260Cys)

Gene: JMJD1C (jumonji domain containing 1C; minus strand). Cytogenetic location: 10q21.3.
Variant type: single nucleotide variant.
Coding change: c.3779C>G on transcript NM_032776.3 (MANE Select); coding-DNA position 3779, C replaced by G.
Protein change: p.Ser1260Cys; replaces serine 1260 with cysteine.
Molecular consequence: missense variant. On other transcripts: non-coding transcript variant (1).
Genome position (GRCh38, 1-based): chr10:63,207,890, G>C on the plus strand (C>G on the coding strand, the complement: JMJD1C is on the minus strand). VCF-style: chr10-63207890-G-C. GRCh37 (hg19) VCF-style: chr10-64967650-G-C.
Other names: c.3233C>G, p.Ser1078Cys (NM_001282948.2, NM_001318154.2); c.2915C>G, p.Ser972Cys (NM_001318153.2); c.3665C>G, p.Ser1222Cys (NM_001322252.2); c.3122C>G, p.Ser1041Cys (NM_001322254.2, NM_001322258.2); short protein forms S1041C, S1078C, S1222C, S1260C, S972C.
Identifiers: ClinVar variation 1098695 (VCV001098695.2), dbSNP rs2133155372, ClinGen allele CA377040241.

ClinVar aggregate classification (germline): Uncertain significance. Review status: criteria provided, multiple submitters, no conflicts (2 of 4 stars). 2 submissions from 2 submitters: Uncertain significance (2). Last evaluated 2020-06-05.

Submissions (2):

New York Genome Center
Classification: Uncertain significance. Last evaluated: 2020-06-05. Review status: criteria provided, single submitter. Criteria: NYGC Assertion Criteria 2020. Collection method: clinical testing. Allele origin: germline. Affected: yes. Observed: 1 heterozygote. Study: CSER-NYCKidSeq.
Comment: The c.3779C>G (p.Ser1260Cys) variant identified in the JMJD1C gene substitutes a conserved Serine for Cystine at amino acid 1260/2541 (coding exon10/26). This variant is absent from gnomAD suggesting it is not a common benign variant in the populations represented in that database. In silico algorithms do not agree on the effect of this variant, as it is predicted both Neutral (Provean; score: -1.28) and Damaging (SIFT; score:0.031) to the function of the canonical transcript. This variant is absent from ClinVar and to our current knowledge has not been reported in affected individuals in the literature. The p.Ser1260 residue is not within a mapped domain of JMJD1C (UniProtKB: Q15652), however other missense variants have been identified in affected indiviudals in this region, and clusters of variants within exon 10 have been described [PMID:26181491]. Given the lack of compelling evidence for its pathogenicity, the c.3779C>G (p.Ser1260Cys) variant identified in the JMJD1C gene is reported here as a Varaint of Uncertain Significance.

Breakthrough Genomics
Classification: Uncertain significance. Review status: criteria provided, single submitter. Criteria: ACMG Guidelines, 2015. Collection method: not provided. Allele origin: germline. Inheritance: Unknown mechanism. Affected: yes.